The following is an entry in ClinVar:

ClinVar aggregate classification (germline): Uncertain significance. Review status: criteria provided, multiple submitters, no conflicts (2 of 4 stars). 4 submissions from 4 submitters: Uncertain significance (4). Last evaluated 2025-07-14.

Conditions:
EPB41-related disorder. Also called: EPB41-related condition.
Inborn genetic diseases. Identifiers: MedGen C0950123, MeSH D030342.

Allele frequency attached by ClinVar (database versions not stated): gnomAD exomes 0.00003 and 0.00006; ExAC 0.00004; gnomAD 0.00004; TOPMed 0.00004; ESP Exome Variant Server 0.00008.
gnomAD v4.1: 104 of 1,613,970 alleles (0.0064%); highest among the groups gnomAD compares: Non-Finnish European, 0.0078%; no homozygotes.

Submissions (4):

PreventionGenetics, part of Exact Sciences
Classification: Uncertain significance for EPB41-related condition. Last evaluated: 2025-07-14. Review status: criteria provided, single submitter. Criteria: ACMG Guidelines, 2015. Collection method: clinical testing. Allele origin: germline.
Comment: The EPB41 c.200G>A variant is predicted to result in the amino acid substitution p.Arg67His. To our knowledge, this variant has not been reported in the literature. This variant is reported in 0.0058% of alleles in individuals of Latino descent in gnomAD. At this time, the clinical significance of this variant is uncertain due to the absence of conclusive functional and genetic evidence.

Ambry Genetics
Classification: Uncertain significance for Inborn genetic diseases. Last evaluated: 2025-02-07. Review status: criteria provided, single submitter. Criteria: Ambry Variant Classification Scheme 2023. Collection method: clinical testing. Allele origin: germline.

Blueprint Genetics
Classification: Uncertain significance. Last evaluated: 2024-03-12. Review status: criteria provided, single submitter. Criteria: ACMG Guidelines, 2015. Collection method: clinical testing. Allele origin: germline.

ARUP Laboratories, Molecular Genetics and Genomics, ARUP Laboratories
Classification: Uncertain significance. Last evaluated: 2017-05-26. Review status: criteria provided, single submitter. Criteria: ARUP Molecular Germline Variant Investigation Process. Collection method: clinical testing. Allele origin: germline.

NM_001376013.1(EPB41):c.827G>A (p.Arg276His)

Gene: EPB41 (erythrocyte membrane protein band 4.1; plus strand). Cytogenetic location: 1p35.3.
Variant type: single nucleotide variant.
Coding change: c.827G>A on transcript NM_001376013.1 (MANE Select); coding-DNA position 827, G replaced by A.
Protein change: p.Arg276His; replaces arginine 276 with histidine.
Molecular consequence: missense variant.
Genome position (GRCh38, 1-based): chr1:29,011,905, G>A. VCF-style: chr1-29011905-G-A. GRCh37 (hg19) VCF-style: chr1-29338417-G-A.
Other names: c.827G>A, p.Arg276His (NM_001166005.2, NM_001166006.2, NM_001376014.1 and 7 more transcripts); c.200G>A, p.Arg67His (NM_001166007.2, NM_001376022.1, NM_001376023.1 and 7 more transcripts); c.722G>A, p.Arg241His (NM_203343.3); short protein forms R67H, R241H, R276H.
Identifiers: ClinVar variation 618090 (VCV000618090.12), dbSNP rs141150801, ClinGen allele CA724327.